The following is an entry in ClinVar:

ClinVar aggregate classification (germline): Uncertain significance. Review status: criteria provided, multiple submitters, no conflicts (2 of 4 stars). 4 submissions from 4 submitters: Uncertain significance (4). Last evaluated 2025-11-19.

Conditions:
Autosomal recessive ataxia, Beauce type. Also called: Spinocerebellar ataxia, autosomal recessive 8; ATAXIA, RECESSIVE, OF BEAUCE; SYNE1-Related Autosomal Recessive Cerebellar Ataxia; SYNE1 Deficiency. Identifiers: Orphanet 88644, MedGen C1853116, MONDO:0012549, OMIM 610743.
Emery-Dreifuss muscular dystrophy 4, autosomal dominant (EDMD4). Also called: EMERY-DREIFUSS MUSCULAR DYSTROPHY 4 WITH VARIABLE FEATURES. Identifiers: Orphanet 261, MedGen C2751807, MONDO:0013071, OMIM 612998.

Allele frequency attached by ClinVar (database versions not stated): gnomAD exomes 0.00004; ExAC 0.00002; gnomAD 0.00007 and 0.00008; ESP Exome Variant Server 0.00008; TOPMed 0.00009.
gnomAD v4.1: 136 of 1,613,680 alleles (0.0084%); highest among the groups gnomAD compares: Non-Finnish European, 0.011%; no homozygotes.

Submissions (4):

GeneDx
Classification: Uncertain significance. Last evaluated: 2025-11-19. Review status: criteria provided, single submitter. Criteria: GeneDx Variant Classification Process June 2021. Collection method: clinical testing. Allele origin: germline.
Comment: In silico analysis suggests that this missense variant does not alter protein structure/function; Has not been previously published as pathogenic or benign to our knowledge

Revvity Omics, Revvity
Classification: Uncertain significance. Last evaluated: 2023-09-15. Review status: criteria provided, single submitter. Criteria: ACMG Guidelines, 2015. Collection method: clinical testing. Allele origin: germline.

Labcorp Genetics (formerly Invitae), Labcorp
Classification: Uncertain significance for Emery-Dreifuss muscular dystrophy 4, autosomal dominant; Autosomal recessive ataxia, Beauce type. Last evaluated: 2022-08-16. Review status: criteria provided, single submitter. Criteria: Invitae Variant Classification Sherloc (09022015). Collection method: clinical testing. Allele origin: germline.
Comment: This sequence change replaces glutamic acid, which is acidic and polar, with glutamine, which is neutral and polar, at codon 2097 of the SYNE1 protein (p.Glu2097Gln). This variant is present in population databases (rs374482089, gnomAD 0.01%). This variant has not been reported in the literature in individuals affected with SYNE1-related conditions. ClinVar contains an entry for this variant (Variation ID: 497150). Algorithms developed to predict the effect of missense changes on protein structure and function are either unavailable or do not agree on the potential impact of this missense change (SIFT: "Deleterious"; PolyPhen-2: "Benign"; Align-GVGD: "Class C25"). In summary, the available evidence is currently insufficient to determine the role of this variant in disease. Therefore, it has been classified as a Variant of Uncertain Significance.

Eurofins Ntd Llc (ga)
Classification: Uncertain significance. Last evaluated: 2016-09-28. Review status: criteria provided, single submitter. Criteria: EGL Classification Definitions 2015. Collection method: clinical testing. Allele origin: germline. Observed: 2 variant alleles, 2 heterozygotes.

NM_182961.4(SYNE1):c.6268G>C (p.Glu2090Gln)

Gene: SYNE1 (spectrin repeat containing nuclear envelope protein 1; minus strand). Cytogenetic location: 6q25.2.
Variant type: single nucleotide variant.
Coding change: c.6268G>C on transcript NM_182961.4 (MANE Select); coding-DNA position 6268, G replaced by C.
Protein change: p.Glu2090Gln; replaces glutamic acid 2090 with glutamine.
Molecular consequence: missense variant.
Genome position (GRCh38, 1-based): chr6:152,409,672, C>G on the plus strand (G>C on the coding strand, the complement: SYNE1 is on the minus strand). VCF-style: chr6-152409672-C-G. GRCh37 (hg19) VCF-style: chr6-152730807-C-G.
Other names: c.6289G>C, p.Glu2097Gln (NM_033071.5); c.6289G>C (NM_033071.3); short protein forms E2090Q, E2097Q.
Identifiers: ClinVar variation 497150 (VCV000497150.13), dbSNP rs374482089, ClinGen allele CA4058120.